The following is an entry in ClinVar:

NM_022765.4(MICAL1):c.3030G>C (p.Glu1010Asp)

Gene: MICAL1 (microtubule associated monooxygenase, calponin and LIM domain containing 1; minus strand). Cytogenetic location: 6q21.
Variant type: single nucleotide variant.
Coding change: c.3030G>C on transcript NM_022765.4 (MANE Select); coding-DNA position 3030, G replaced by C.
Protein change: p.Glu1010Asp; replaces glutamic acid 1010 with aspartic acid.
Molecular consequence: missense variant.
Genome position (GRCh38, 1-based): chr6:109,444,750, C>G on the plus strand (G>C on the coding strand, the complement: MICAL1 is on the minus strand). VCF-style: chr6-109444750-C-G. GRCh37 (hg19) VCF-style: chr6-109765953-C-G.
Other names: c.2772G>C, p.Glu924Asp (NM_001159291.2); c.3087G>C, p.Glu1029Asp (NM_001286613.2); short protein forms E1010D, E1029D, E924D.
Identifiers: ClinVar variation 4767976 (VCV004767976.1).
Genomic context (GRCh38, chr6:109,444,750, plus strand): 5'-TGGGATGTGTCTGCTTCTCCCCACATTTCACCTACCTTCCCGGTTCATGTAGCCTCGTAG[C>G]TCCTGGTCCAGCTGCCACTGTTTCTCCTCCAGATTCAATTCCTGCACCCTGTGGAGGTCA-3'
Protein context (NP_073602.3, residues 1000-1020): LEEKQWQLDQ[Glu1010Asp]LRGYMNREEN

ClinVar aggregate classification (germline): Uncertain significance (1 of 4 stars; one submission).

gnomAD v4.1: 2 of 1,614,142 alleles (0.00012%); highest among the groups gnomAD compares: Non-Finnish European, 0.00017%; no homozygotes.

Submission:

Labcorp Genetics (formerly Invitae), Labcorp
Classification: Uncertain significance. Last evaluated: 2025-11-05. Review status: criteria provided, single submitter. Criteria: Invitae Variant Classification Sherloc (09022015). Collection method: clinical testing. Allele origin: germline.
Comment: This sequence change replaces glutamic acid, which is acidic and polar, with aspartic acid, which is acidic and polar, at codon 1029 of the MICAL1 protein (p.Glu1029Asp). This variant is present in population databases (no rsID available, gnomAD 0.0009%). This variant has not been reported in the literature in individuals affected with MICAL1-related conditions. An algorithm developed to predict the effect of missense changes on protein structure and function (PolyPhen-2) suggests that this variant is likely to be disruptive. In summary, the available evidence is currently insufficient to determine the role of this variant in disease. Therefore, it has been classified as a Variant of Uncertain Significance.